The following is an entry in ClinVar:

NM_000038.6(APC):c.7182T>C (p.Ser2394=)

Gene: APC (APC regulator of Wnt signaling pathway; plus strand). Cytogenetic location: 5q22.2.
Variant type: single nucleotide variant.
Coding change: c.7182T>C on transcript NM_000038.6 (MANE Select); coding-DNA position 7182, T replaced by C.
Protein change: p.Ser2394=; no amino-acid change (serine 2394 retained).
Molecular consequence: synonymous variant.
Genome position (GRCh38, 1-based): chr5:112,842,776, T>C. VCF-style: chr5-112842776-T-C. GRCh37 (hg19) VCF-style: chr5-112178473-T-C.
Other names: c.7182T>C, p.Ser2394= (NM_001127510.3, NM_001354895.2); c.7128T>C, p.Ser2376= (NM_001127511.3); c.7236T>C, p.Ser2412= (NM_001354896.2); c.7212T>C, p.Ser2404= (NM_001354897.2); c.7107T>C, p.Ser2369= (NM_001354898.2); c.7098T>C, p.Ser2366= (NM_001354899.2); c.7059T>C, p.Ser2353= (NM_001354900.2); c.7005T>C, p.Ser2335= (NM_001354901.2); and 5 more.
Identifiers: ClinVar variation 495372 (VCV000495372.21), dbSNP rs777420141, ClinGen allele CA047155.

ClinVar aggregate classification (germline): Benign/Likely benign. Review status: criteria provided, multiple submitters, no conflicts (2 of 4 stars). 5 submissions from 5 submitters: Benign (1); Likely benign (4). Last evaluated 2026-01-13.

Conditions:
Hereditary cancer-predisposing syndrome. Also called: Hereditary neoplastic syndrome; Tumor predisposition; Hereditary Cancer Syndrome; Neoplastic Syndromes, Hereditary. Identifiers: Orphanet 140162, MedGen C0027672, MeSH D009386, MONDO:0015356.
Familial adenomatous polyposis 1 (FAP1). Also called: FAMILIAL ADENOMATOUS POLYPOSIS 1, ATTENUATED; POLYPOSIS, ADENOMATOUS INTESTINAL. Identifiers: MedGen C2713442, MONDO:0021056, OMIM 175100. Disease mechanism: loss of function.

Allele frequency attached by ClinVar (database versions not stated): gnomAD exomes below 0.00001 and 0.00001; ExAC 0.00001; gnomAD 0.00002; TOPMed 0.00003.
gnomAD v4.1: 6 of 1,613,764 alleles (0.00037%); highest among the groups gnomAD compares: African/African-American, 0.008%; no homozygotes.

Submissions (5):

Labcorp Genetics (formerly Invitae), Labcorp
Classification: Likely benign for Familial adenomatous polyposis 1. Last evaluated: 2026-01-13. Review status: criteria provided, single submitter. Criteria: Invitae Variant Classification Sherloc (09022015). Collection method: clinical testing. Allele origin: germline.

Myriad Genetics, Inc.
Classification: Benign for Familial adenomatous polyposis 1. Last evaluated: 2024-04-09. Review status: criteria provided, single submitter. Criteria: Myriad Autosomal Dominant, Autosomal Recessive and X-Linked Classification Criteria (2023). Collection method: clinical testing. Allele origin: unknown.
Comment: This variant is considered benign. This variant is a silent/synonymous amino acid change and it is not expected to impact splicing.

Women's Health and Genetics/Laboratory Corporation of America, LabCorp
Classification: Likely benign. Last evaluated: 2019-08-20. Review status: criteria provided, single submitter. Criteria: LabCorp Variant Classification Summary - May 2015. Collection method: clinical testing. Allele origin: germline.

Ambry Genetics
Classification: Likely benign for Hereditary cancer-predisposing syndrome. Last evaluated: 2019-07-06. Review status: criteria provided, single submitter. Criteria: Ambry Variant Classification Scheme 2023. Collection method: clinical testing. Allele origin: germline.

Color Diagnostics, LLC DBA Color Health
Classification: Likely benign for Hereditary cancer-predisposing syndrome. Last evaluated: 2017-11-17. Review status: criteria provided, single submitter. Criteria: ACMG Guidelines, 2015. Collection method: clinical testing. Allele origin: germline.